The following is an entry in ClinVar:

NM_000057.4(BLM):c.1290_1291delinsATCAGGCCTCCATAG (p.Tyr430_Arg431delinsTer)

Gene: BLM (BLM RecQ like helicase; plus strand). Cytogenetic location: 15q26.1.
Variant type: Indel.
Coding change: c.1290_1291delinsATCAGGCCTCCATAG on transcript NM_000057.4 (MANE Select); coding-DNA positions 1290 to 1291, CA replaced by ATCAGGCCTCCATAG.
Protein change: p.Tyr430_Arg431delinsTer.
Molecular consequence: nonsense.
Genome position (GRCh38, 1-based): chr15:90,760,663-90,760,664, CA replaced by ATCAGGCCTCCATAG. VCF-style: chr15-90760663-CA-ATCAGGCCTCCATAG. GRCh37 (hg19) VCF-style: chr15-91303893-CA-ATCAGGCCTCCATAG.
Other names: c.1290_1291delinsATCAGGCCTCCATAG, p.Tyr430_Arg431delinsTer (NM_001287246.2, NM_001287247.2); c.165_166delinsATCAGGCCTCCATAG, p.Tyr55_Arg56delinsTer (NM_001287248.2).
Identifiers: ClinVar variation 3382520 (VCV003382520.2).

ClinVar aggregate classification (germline): Pathogenic (1 of 4 stars; one submission).

Conditions:
Bloom syndrome (BLM). Also called: Bloom-Torre-Machacek syndrome. Identifiers: Orphanet 125, MedGen C0005859, MONDO:0008876, OMIM 210900.

Submission:

Juno Genomics, Hangzhou Juno Genomics, Inc
Classification: Pathogenic for Bloom syndrome. Review status: criteria provided, single submitter. Criteria: ACMG Guidelines, 2015. Collection method: clinical testing. Allele origin: germline. Affected: yes.
Comment: Null variant in a gene where loss of function (LOF) is a known mechanism of disease.;Absent from controls (or at extremely low frequency if recessive) in Genome Aggregation Database, Exome Sequencing Project, 1000 Genomes Project, or Exome Aggregation Consortium.;For recessive disorders, detected in trans with a pathogenic variant.;Patient's phenotype or family history is highly specific for a disease with a single genetic etiology.